The following is an entry in ClinVar:

ClinVar aggregate classification (germline): Uncertain significance (1 of 4 stars; one submission).

Conditions:
Fanconi anemia (FA). Also called: Fanconi's anemia. Identifiers: Orphanet 84, MedGen C0015625, MeSH D005199, MONDO:0019391.

Submission:

Labcorp Genetics (formerly Invitae), Labcorp
Classification: Uncertain significance for Fanconi anemia. Last evaluated: 2023-12-25. Review status: criteria provided, single submitter. Criteria: Invitae Variant Classification Sherloc (09022015). Collection method: clinical testing. Allele origin: germline.
Comment: This sequence change replaces lysine, which is basic and polar, with glutamic acid, which is acidic and polar, at codon 502 of the FANCA protein (p.Lys502Glu). This variant is not present in population databases (gnomAD no frequency). This variant has not been reported in the literature in individuals affected with FANCA-related conditions. Advanced modeling of protein sequence and biophysical properties (such as structural, functional, and spatial information, amino acid conservation, physicochemical variation, residue mobility, and thermodynamic stability) performed at Invitae indicates that this missense variant is expected to disrupt FANCA protein function with a positive predictive value of 80%. In summary, the available evidence is currently insufficient to determine the role of this variant in disease. Therefore, it has been classified as a Variant of Uncertain Significance.

NM_000135.4(FANCA):c.1504A>G (p.Lys502Glu)

Gene: FANCA (FA complementation group A; minus strand). Cytogenetic location: 16q24.3.
Variant type: single nucleotide variant.
Coding change: c.1504A>G on transcript NM_000135.4 (MANE Select); coding-DNA position 1504, A replaced by G.
Protein change: p.Lys502Glu; replaces lysine 502 with glutamic acid.
Molecular consequence: missense variant.
Genome position (GRCh38, 1-based): chr16:89,783,069, T>C on the plus strand (A>G on the coding strand, the complement: FANCA is on the minus strand). VCF-style: chr16-89783069-T-C. GRCh37 (hg19) VCF-style: chr16-89849477-T-C.
Other names: c.1504A>G, p.Lys502Glu (NM_001286167.3); short protein forms K502E.
Identifiers: ClinVar variation 3010751 (VCV003010751.3), dbSNP rs2544243650, ClinGen allele CA397458173.
Genomic context (GRCh38, chr16:89,783,069, plus strand): 5'-TGAGGTCGGCCAGCCGTGTCTTGGCCAATGAGATGTAGTCTGTGAGGAGGGAGCGGTACT[T>C]GCCGGGAACCAGGGGTGGGTGGAGAATGTGCACCTGAGGATAGATAGCAGAGCGCAGCAC-3'
Protein context (NP_000126.2, residues 492-512): HILHPPLVPG[Lys502Glu]YRSLLTDYIS